The following is an entry in ClinVar:

NM_015087.5(SPART):c.1939G>A (p.Val647Met)

Gene: SPART (spartin; minus strand). Cytogenetic location: 13q13.3.
Variant type: single nucleotide variant.
Coding change: c.1939G>A on transcript NM_015087.5 (MANE Select); coding-DNA position 1939, G replaced by A.
Protein change: p.Val647Met; replaces valine 647 with methionine.
Molecular consequence: missense variant.
Genome position (GRCh38, 1-based): chr13:36,304,427, C>T on the plus strand (G>A on the coding strand, the complement: SPART is on the minus strand). VCF-style: chr13-36304427-C-T. GRCh37 (hg19) VCF-style: chr13-36878564-C-T.
Other names: c.1939G>A, p.Val647Met (NM_001142294.2, NM_001142295.2, NM_001142296.2); short protein forms V647M.
Identifiers: ClinVar variation 409264 (VCV000409264.37), dbSNP rs146683642, ClinGen allele CA6949251.

ClinVar aggregate classification (germline): Likely benign. Review status: criteria provided, multiple submitters, no conflicts (2 of 4 stars). 5 submissions from 5 submitters: Likely benign (4). 1 of the submissions does not count toward it. Last evaluated 2026-01-27.

Conditions:
SPART-related disorder. Also called: SPART-related condition.

Allele frequency attached by ClinVar (database versions not stated): gnomAD exomes 0.00010 and 0.00018; ExAC 0.00022; ESP Exome Variant Server 0.00062; gnomAD 0.00082 and 0.00086; 1000 Genomes Project 30x 0.00094; TOPMed 0.00095; 1000 Genomes Project 0.00120.
gnomAD v4.1: 281 of 1,614,112 alleles (0.017%); highest among the groups gnomAD compares: African/African-American, 0.31%; 2 homozygotes.

Submissions (5):

Labcorp Genetics (formerly Invitae), Labcorp
Classification: Likely benign. Last evaluated: 2026-01-27. Review status: criteria provided, single submitter. Criteria: Invitae Variant Classification Sherloc (09022015). Collection method: clinical testing. Allele origin: germline.

CeGaT Center for Human Genetics Tuebingen
Classification: Likely benign. Last evaluated: 2023-04-01. Review status: criteria provided, single submitter. Criteria: CeGaT Center For Human Genetics Tuebingen Variant Classification Criteria Version 2. Collection method: clinical testing. Allele origin: germline. Affected: yes. Observed: 1 variant allele.
Comment: SPART: BP4

GeneDx
Classification: Likely benign. Last evaluated: 2021-04-27. Review status: criteria provided, single submitter. Criteria: GeneDx Variant Classification Process June 2021. Collection method: clinical testing. Allele origin: germline. Affected: yes.
Comment: In silico analysis supports that this missense variant does not alter protein structure/function; Has not been previously published as pathogenic or benign to our knowledge

Athena Diagnostics
Classification: Likely benign. Last evaluated: 2019-12-06. Review status: criteria provided, single submitter. Criteria: Athena Diagnostics Criteria. Collection method: clinical testing. Allele origin: unknown.

PreventionGenetics, part of Exact Sciences
Classification: Likely benign for SPART-related condition. Last evaluated: 2024-08-29. Review status: no assertion criteria provided. Collection method: clinical testing. Allele origin: germline. Not counted in ClinVar's aggregate classification.
Comment: This variant is classified as likely benign based on ACMG/AMP sequence variant interpretation guidelines (Richards et al. 2015 PMID: 25741868, with internal and published modifications).